The following is an entry in ClinVar:

ClinVar aggregate classification (germline): Conflicting classifications of pathogenicity. Review status: criteria provided, conflicting classifications (1 of 4 stars). 2 submissions from 2 submitters: Likely pathogenic (1); Uncertain significance (1). Last evaluated 2026-01-05.

Conditions:
Hyperekplexia 3 (HKPX3). Also called: HYPEREKPLEXIA 3, AUTOSOMAL RECESSIVE; HYPEREKPLEXIA 3, AUTOSOMAL DOMINANT. Identifiers: Orphanet 3197, MedGen C3553288, MONDO:0013827, OMIM 614618.

Allele frequency attached by ClinVar (database versions not stated): ExAC 0.00001; TOPMed 0.00001; gnomAD exomes 0.00004.
gnomAD v4.1: 56 of 1,613,480 alleles (0.0035%); highest among the groups gnomAD compares: Non-Finnish European, 0.0047%; no homozygotes.

Submissions (2):

Labcorp Genetics (formerly Invitae), Labcorp
Classification: Uncertain significance for Hyperekplexia 3. Last evaluated: 2026-01-05. Review status: criteria provided, single submitter. Criteria: Invitae Variant Classification Sherloc (09022015). Collection method: clinical testing. Allele origin: germline.
Comment: This sequence change replaces proline, which is neutral and non-polar, with serine, which is neutral and polar, at codon 551 of the SLC6A5 protein (p.Pro551Ser). This variant is present in population databases (rs781330809, gnomAD 0.002%). This variant has not been reported in the literature in individuals affected with SLC6A5-related conditions. ClinVar contains an entry for this variant (Variation ID: 2154542). Invitae Evidence Modeling of protein sequence and biophysical properties (such as structural, functional, and spatial information, amino acid conservation, physicochemical variation, residue mobility, and thermodynamic stability) has been performed for this missense variant. However, the output from this modeling did not meet the statistical confidence thresholds required to predict the impact of this variant on SLC6A5 protein function. In summary, the available evidence is currently insufficient to determine the role of this variant in disease. Therefore, it has been classified as a Variant of Uncertain Significance.

Victorian Clinical Genetics Services, Murdoch Childrens Research Institute
Classification: Likely pathogenic for Hyperekplexia 3. Last evaluated: 2023-07-17. Review status: criteria provided, single submitter. Criteria: ACMG Guidelines, 2015. Collection method: clinical testing. Allele origin: germline. Inheritance: Autosomal recessive inheritance. Affected: yes.
Comment: Based on the classification scheme VCGS_Germline_v1.3.4, this variant is classified as a Likely pathogenic Following criteria are met: 0102 - Loss of function is a known mechanism of disease in this gene and is associated with hyperekplexia 3 (MIM#614618). However, it should be noted that a dominant-negative mechanism has been demonstrated for a one missense variant (PMID: 16751771). (I) 0106 - This gene is associated with autosomal recessive disease. (I) 0200 - Variant is predicted to result in a missense amino acid change from proline to serine. (I) 0251 - This variant is heterozygous. (I) 0304 - Variant is present in gnomAD (v2) <0.01 for a recessive condition (2 heterozygotes, 0 homozygotes). (SP) 0309 - An alternative amino acid change at the same position has been observed in gnomAD (v2) (p.(Pro551Leu): 4 heterozygotes, 0 homozygotes). (I) 0501 - Missense variant consistently predicted to be damaging by multiple in silico tools and highly conserved with a moderate amino acid change. (SP) 0600 - Variant is located in the annotated sodium:neurotransmitter symporter family domain (DECIPHER). (I) 0710 - Another missense variant comparable to the one identified in this case has inconclusive previous evidence for pathogenicity. The p.(Pro551Leu) variant has been classified once as a VUS (ClinVar). (I) 0807 - This variant has no previous evidence of pathogenicity. However, it should be noted that this variant was identified in a study of migraine individuals which is unlikely to be associated with hyperekplexia (PMID: 23030542). (I) 0905 - No published segregation evidence has been identified for this variant. (I) 1007 - No published functional evidence has been identified for this variant. (I) 1101 - Very strong and specific phenotype match for this individual. (SP) 1201 - Heterozygous variant detected in trans with a second likely pathogenic heterozygous variant (NM_004211.4(SLC6A5):c.1286C>T; p.(Pro429Leu)) in a recessive disease. (I) Legend: (SP) - Supporting pathogenic, (I) - Information, (SB) - Supporting benign

Literature cited by the submitters: PubMed 16751771 (cited by Victorian Clinical Genetics Services, Murdoch Childrens Research Institute); PubMed 23030542 (cited by Victorian Clinical Genetics Services, Murdoch Childrens Research Institute).

NM_004211.5(SLC6A5):c.1651C>T (p.Pro551Ser)

Gene: SLC6A5 (solute carrier family 6 member 5; plus strand). Cytogenetic location: 11p15.1.
Variant type: single nucleotide variant.
Coding change: c.1651C>T on transcript NM_004211.5 (MANE Select); coding-DNA position 1651, C replaced by T.
Protein change: p.Pro551Ser; replaces proline 551 with serine.
Molecular consequence: missense variant.
Genome position (GRCh38, 1-based): chr11:20,636,333, C>T. VCF-style: chr11-20636333-C-T. GRCh37 (hg19) VCF-style: chr11-20657879-C-T.
Other names: c.949C>T, p.Pro317Ser (NM_001318369.2); c.1651C>T (NM_004211.4); short protein forms P317S, P551S.
Identifiers: ClinVar variation 2154542 (VCV002154542.3), dbSNP rs781330809, ClinGen allele CA5921540.